The following is an entry in ClinVar:

ClinVar aggregate classification (germline): Uncertain significance. Review status: criteria provided, multiple submitters, no conflicts (2 of 4 stars). 3 submissions from 3 submitters: Uncertain significance (3). Last evaluated 2025-02-19.

Conditions:
Familial cold autoinflammatory syndrome 2 (FCAS2). Identifiers: Orphanet 247868, MedGen C2673198, MONDO:0012724, OMIM 611762.
Inborn genetic diseases. Identifiers: MedGen C0950123, MeSH D030342.

Allele frequency attached by ClinVar (database versions not stated): TOPMed below 0.00001; ExAC 0.00001; gnomAD 0.00001; gnomAD exomes 0.00001.
gnomAD v4.1: 9 of 1,613,880 alleles (0.00056%); highest among the groups gnomAD compares: Middle Eastern, 0.016%; no homozygotes.

Submissions (3):

Labcorp Genetics (formerly Invitae), Labcorp
Classification: Uncertain significance for Familial cold autoinflammatory syndrome 2. Last evaluated: 2025-02-19. Review status: criteria provided, single submitter. Criteria: Invitae Variant Classification Sherloc (09022015). Collection method: clinical testing. Allele origin: germline.
Comment: This sequence change replaces arginine, which is basic and polar, with histidine, which is basic and polar, at codon 288 of the NLRP12 protein (p.Arg288His). This variant is present in population databases (rs776866944, gnomAD 0.0009%). This variant has not been reported in the literature in individuals affected with NLRP12-related conditions. ClinVar contains an entry for this variant (Variation ID: 2233867). Invitae Evidence Modeling of protein sequence and biophysical properties (such as structural, functional, and spatial information, amino acid conservation, physicochemical variation, residue mobility, and thermodynamic stability) indicates that this missense variant is not expected to disrupt NLRP12 protein function with a negative predictive value of 80%. In summary, the available evidence is currently insufficient to determine the role of this variant in disease. Therefore, it has been classified as a Variant of Uncertain Significance.

Mayo Clinic Laboratories, Mayo Clinic
Classification: Uncertain significance. Last evaluated: 2024-06-11. Review status: criteria provided, single submitter. Criteria: ACMG Guidelines, 2015. Collection method: clinical testing. Allele origin: germline. Observed: 1 variant allele.
Comment: PM2

Ambry Genetics
Classification: Uncertain significance for Inborn genetic diseases. Last evaluated: 2021-06-21. Review status: criteria provided, single submitter. Criteria: Ambry Variant Classification Scheme 2023. Collection method: clinical testing. Allele origin: germline.

NM_144687.4(NLRP12):c.863G>A (p.Arg288His)

Gene: NLRP12 (NLR family pyrin domain containing 12; minus strand). Cytogenetic location: 19q13.42.
Variant type: single nucleotide variant.
Coding change: c.863G>A on transcript NM_144687.4 (MANE Select); coding-DNA position 863, G replaced by A.
Protein change: p.Arg288His; replaces arginine 288 with histidine.
Molecular consequence: missense variant.
Genome position (GRCh38, 1-based): chr19:53,810,796, C>T on the plus strand (G>A on the coding strand, the complement: NLRP12 is on the minus strand). VCF-style: chr19-53810796-C-T. GRCh37 (hg19) VCF-style: chr19-54314050-C-T.
Other names: p.Arg288His; c.863G>A (NM_144687.3); c.863G>A, p.Arg288His (NM_001277126.2, NM_001277129.1); short protein forms R288H.
Identifiers: ClinVar variation 2233867 (VCV002233867.6), dbSNP rs776866944, ClinGen allele CA9639588.